The following is an entry in ClinVar:

ClinVar aggregate classification (germline): Uncertain significance (1 of 4 stars; one submission).

Conditions:
Epidermolysis bullosa simplex 3, localized or generalized intermediate, with BP230 deficiency (EBS3). Also called: Epidermolysis bullosa simplex, autosomal recessive 2; Epidermolysis bullosa simplex due to BP230 deficiency. Identifiers: Orphanet 412181, MedGen C3809470, MONDO:0014180, OMIM 615425.
Hereditary sensory and autonomic neuropathy type 6. Also called: Neuropathy, hereditary sensory and autonomic, type VI; HSAN VI. Identifiers: Orphanet 314381, MedGen C3539003, MONDO:0013839, OMIM 614653.

Submission:

Labcorp Genetics (formerly Invitae), Labcorp
Classification: Uncertain significance for Epidermolysis bullosa simplex 3, localized or generalized intermediate, with BP230 deficiency; Hereditary sensory and autonomic neuropathy type 6. Last evaluated: 2021-04-09. Review status: criteria provided, single submitter. Criteria: Invitae Variant Classification Sherloc (09022015). Collection method: clinical testing. Allele origin: germline.
Comment: This variant is not present in population databases (ExAC no frequency). This sequence change replaces serine with arginine at codon 4473 of the DST protein (p.Ser4473Arg). The serine residue is moderately conserved and there is a moderate physicochemical difference between the two amino acids. The DST gene has multiple clinically relevant transcripts. The p.Ser4473Arg variant occurs in alternate transcript NM_015548.4, and corresponds to NM_001723.5:c.*132720T>A in the primary transcript. This variant has not been reported in the literature in individuals with DST-related conditions. ClinVar contains an entry for this variant (Variation ID: 969411). In summary, the available evidence is currently insufficient to determine the role of this variant in disease. Therefore, it has been classified as a Variant of Uncertain Significance. Experimental studies and prediction algorithms are not available or were not evaluated, and the functional significance of this variant is currently unknown.

NM_001374736.1(DST):c.21288T>A (p.Ser7096Arg)

Gene: DST (dystonin; minus strand). Cytogenetic location: 6p12.1.
Variant type: single nucleotide variant.
Coding change: c.21288T>A on transcript NM_001374736.1 (MANE Select); coding-DNA position 21288, T replaced by A.
Protein change: p.Ser7096Arg; replaces serine 7096 with arginine.
Molecular consequence: missense variant.
Genome position (GRCh38, 1-based): chr6:56,482,797, A>T on the plus strand (T>A on the coding strand, the complement: DST is on the minus strand). VCF-style: chr6-56482797-A-T. GRCh37 (hg19) VCF-style: chr6-56347595-A-T.
Other names: c.14931T>A, p.Ser4977Arg (NM_001144769.5); c.14517T>A, p.Ser4839Arg (NM_001144770.2); c.21288T>A, p.Ser7096Arg (NM_001374722.1); c.20328T>A, p.Ser6776Arg (NM_001374729.1); c.14070T>A, p.Ser4690Arg (NM_001374730.1); c.21315T>A, p.Ser7105Arg (NM_001374734.1); c.13419T>A, p.Ser4473Arg (NM_015548.5); c.14397T>A, p.Ser4799Arg (NM_183380.4); short protein forms S4799R, S7105R, S4473R, S4690R, S4839R, S6776R, S4977R, S7096R.
Identifiers: ClinVar variation 969411 (VCV000969411.8), dbSNP rs2095442394, ClinGen allele CA364512253.